The following is an entry in ClinVar:

NM_213599.3(ANO5):c.1095A>G (p.Leu365=)

Gene: ANO5 (anoctamin 5; plus strand). Cytogenetic location: 11p14.3.
Variant type: single nucleotide variant.
Coding change: c.1095A>G on transcript NM_213599.3 (MANE Select); coding-DNA position 1095, A replaced by G.
Protein change: p.Leu365=; no amino-acid change (leucine 365 retained).
Molecular consequence: synonymous variant.
Genome position (GRCh38, 1-based): chr11:22,250,822, A>G. VCF-style: chr11-22250822-A-G. GRCh37 (hg19) VCF-style: chr11-22272368-A-G.
Other names: c.1092A>G, p.Leu364= (NM_001142649.2).
Identifiers: ClinVar variation 140546 (VCV000140546.23), dbSNP rs35804601, ClinGen allele CA200877.

ClinVar aggregate classification (germline): Benign/Likely benign. Review status: criteria provided, multiple submitters, no conflicts (2 of 4 stars). 10 submissions from 8 submitters: Benign (4); Likely benign (5). 1 of the submissions does not count toward it. Last evaluated 2026-01-27.

Conditions:
Gnathodiaphyseal dysplasia (GDD). Also called: OSTEOGENESIS IMPERFECTA WITH UNUSUAL SKELETAL LESIONS; GNATHODIAPHYSEAL SCLEROSIS. Identifiers: Orphanet 53697, MedGen C1833736, MONDO:0008151, OMIM 166260.
Autosomal recessive limb-girdle muscular dystrophy type 2L (LGMDR12). Also called: Limb-girdle muscular dystrophy, type 2L; MUSCULAR DYSTROPHY, LIMB-GIRDLE, AUTOSOMAL RECESSIVE 12; Limb-Girdle Muscular Dystrophy R12 Anoctamin-5-Related (LGMD-R12). Identifiers: Orphanet 206549, MedGen C1969785, MONDO:0012652, OMIM 611307.
ANO5-Related Muscle Diseases. Identifiers: MedGen CN180644.
Miyoshi muscular dystrophy 3 (MMD3). Also called: Miyoshi myopathy 3; Miyoshi Muscular Dystrophy 3 (MMD3). Identifiers: Orphanet 399096, MedGen C2750076, MONDO:0013222, OMIM 613319.

Allele frequency attached by ClinVar (database versions not stated): gnomAD exomes 0.00017 and 0.00046; ExAC 0.00063; gnomAD 0.00174 and 0.00183; 1000 Genomes Project 0.00180; TOPMed 0.00203; ESP Exome Variant Server 0.00223; 1000 Genomes Project 30x 0.00281.

Submissions (10):

Labcorp Genetics (formerly Invitae), Labcorp
Classification: Benign for Autosomal recessive limb-girdle muscular dystrophy type 2L; Gnathodiaphyseal dysplasia. Last evaluated: 2026-01-27. Review status: criteria provided, single submitter. Criteria: Invitae Variant Classification Sherloc (09022015). Collection method: clinical testing. Allele origin: germline.

Blueprint Genetics
Classification: Likely benign. Last evaluated: 2024-08-22. Review status: criteria provided, single submitter. Criteria: ACMG Guidelines, 2015. Collection method: clinical testing. Allele origin: germline.

Genome-Nilou Lab
Classification: Benign for Gnathodiaphyseal dysplasia. Last evaluated: 2021-12-05. Review status: criteria provided, single submitter. Criteria: ACMG Guidelines, 2015. Collection method: clinical testing. Allele origin: germline. Affected: no.

Genome-Nilou Lab
Classification: Benign for Miyoshi muscular dystrophy 3. Last evaluated: 2021-12-05. Review status: criteria provided, single submitter. Criteria: ACMG Guidelines, 2015. Collection method: clinical testing. Allele origin: germline. Affected: no.

Genome-Nilou Lab
Classification: Benign for Autosomal recessive limb-girdle muscular dystrophy type 2L. Last evaluated: 2021-12-05. Review status: criteria provided, single submitter. Criteria: ACMG Guidelines, 2015. Collection method: clinical testing. Allele origin: germline. Affected: no.

GeneDx
Classification: Likely benign. Last evaluated: 2021-06-01. Review status: criteria provided, single submitter. Criteria: GeneDx Variant Classification Process June 2021. Collection method: clinical testing. Allele origin: germline. Affected: yes.

Illumina Laboratory Services, Illumina
Classification: Likely benign for ANO5-Related Muscle Diseases. Last evaluated: 2018-01-12. Review status: criteria provided, single submitter. Criteria: ICSL Variant Classification Criteria 13 December 2019. Collection method: clinical testing. Allele origin: germline.
Comment: This variant was observed in the ICSL laboratory as part of a predisposition screen in an ostensibly healthy population. It had not been previously curated by ICSL or reported in the Human Gene Mutation Database (HGMD: prior to June 1st, 2018), and was therefore a candidate for classification through an automated scoring system. Utilizing variant allele frequency, disease prevalence and penetrance estimates, and inheritance mode, an automated score was calculated to assess if this variant is too frequent to cause the disease. Based on the score and internal cut-off values, a variant classified as likely benign is not then subjected to further curation. The score for this variant resulted in a classification of likely benign for this disease.

Eurofins Ntd Llc (ga)
Classification: Likely benign. Last evaluated: 2015-02-26. Review status: criteria provided, single submitter. Criteria: EGL Classification Definitions 2015. Collection method: clinical testing. Allele origin: germline. Observed: 1 variant allele, 1 heterozygote.

Breakthrough Genomics
Classification: Likely benign. Review status: criteria provided, single submitter. Criteria: ACMG Guidelines, 2015. Collection method: not provided. Allele origin: germline. Inheritance: Autosomal recessive inheritance. Affected: yes.

ANO5 @LOVD
No classification provided. Review status: no classification provided. Collection method: not provided. Allele origin: unknown. Not counted in ClinVar's aggregate classification.